The following is an entry in ClinVar:

ClinVar aggregate classification (germline): Uncertain significance (1 of 4 stars; one submission).

Conditions:
Idiopathic generalized epilepsy. Also called: Generalised epilepsy; EIG. Identifiers: MedGen C0270850, MONDO:0005579, OMIM 600669.
Hyperaldosteronism, familial, type IV (HALD4). Also called: FH IV; ALDOSTERONISM, PRIMARY, AND HYPERTENSION. Identifiers: Orphanet 642671, MedGen C4310756, MONDO:0014875, OMIM 617027.

Allele frequency attached by ClinVar (database versions not stated): gnomAD 0.00001; TOPMed 0.00002.

Submission:

Labcorp Genetics (formerly Invitae), Labcorp
Classification: Uncertain significance for Idiopathic generalized epilepsy; Hyperaldosteronism, familial, type IV. Last evaluated: 2023-07-10. Review status: criteria provided, single submitter. Criteria: Invitae Variant Classification Sherloc (09022015). Collection method: clinical testing. Allele origin: germline.
Comment: Advanced modeling of protein sequence and biophysical properties (such as structural, functional, and spatial information, amino acid conservation, physicochemical variation, residue mobility, and thermodynamic stability) performed at Invitae indicates that this missense variant is not expected to disrupt CACNA1H protein function. ClinVar contains an entry for this variant (Variation ID: 662019). This variant has not been reported in the literature in individuals affected with CACNA1H-related conditions. This variant is not present in population databases (gnomAD no frequency). This sequence change replaces threonine, which is neutral and polar, with isoleucine, which is neutral and non-polar, at codon 273 of the CACNA1H protein (p.Thr273Ile). In summary, the available evidence is currently insufficient to determine the role of this variant in disease. Therefore, it has been classified as a Variant of Uncertain Significance.

NM_021098.3(CACNA1H):c.818C>T (p.Thr273Ile)

Gene: CACNA1H (calcium voltage-gated channel subunit alpha1 H; plus strand). Cytogenetic location: 16p13.3.
Variant type: single nucleotide variant.
Coding change: c.818C>T on transcript NM_021098.3 (MANE Select); coding-DNA position 818, C replaced by T.
Protein change: p.Thr273Ile; replaces threonine 273 with isoleucine.
Molecular consequence: missense variant.
Genome position (GRCh38, 1-based): chr16:1,200,270, C>T. VCF-style: chr16-1200270-C-T. GRCh37 (hg19) VCF-style: chr16-1250270-C-T.
Other names: c.818C>T, p.Thr273Ile (NM_001005407.2); short protein forms T273I.
Identifiers: ClinVar variation 662019 (VCV000662019.8), dbSNP rs1240507435, ClinGen allele CA394155772.
Genomic context (GRCh38, chr16:1,200,270, plus strand): 5'-CCTGACCCTGATTGTACCTTTTGGCCCTGGCTGTGCCCATCCCCAGGAACAACAACCTGA[C>T]CTTCCTGCGGCCGTACTACCAGACGGAGGAGGGCGAGGAGAACCCGTTCATCTGCTCCTC-3'
Protein context (NP_066921.2, residues 263-283): DSAFVRNNNL[Thr273Ile]FLRPYYQTEE